The following is an entry in ClinVar:

NM_001008216.2(GALE):c.812C>T (p.Thr271Met)

Gene: GALE (UDP-galactose-4-epimerase; minus strand). Cytogenetic location: 1p36.11.
Variant type: single nucleotide variant.
Coding change: c.812C>T on transcript NM_001008216.2 (MANE Select); coding-DNA position 812, C replaced by T.
Protein change: p.Thr271Met; replaces threonine 271 with methionine.
Molecular consequence: missense variant.
Genome position (GRCh38, 1-based): chr1:23,796,570, G>A on the plus strand (C>T on the coding strand, the complement: GALE is on the minus strand). VCF-style: chr1-23796570-G-A. GRCh37 (hg19) VCF-style: chr1-24123060-G-A.
Other names: c.812C>T, p.Thr271Met (NM_000403.4, NM_001127621.2); short protein forms T271M.
Identifiers: ClinVar variation 838412 (VCV000838412.7), dbSNP rs756331486, ClinGen allele CA685520.

ClinVar aggregate classification (germline): Uncertain significance (1 of 4 stars; one submission).

Conditions:
UDPglucose-4-epimerase deficiency. Also called: UDPglucose 4-Epimerase Deficiency Disease; GALACTOSEMIA III; GALE DEFICIENCY; UDP-GALACTOSE-4-EPIMERASE DEFICIENCY; Galactose epimerase deficiency; Epimerase Deficiency Galactosemia. Identifiers: Orphanet 352, Orphanet 79238, MedGen C0751161, MONDO:0009257, OMIM 230350.

Allele frequency attached by ClinVar (database versions not stated): gnomAD 0.00002; TOPMed 0.00003.
gnomAD v4.1: 93 of 1,613,930 alleles (0.0058%); highest among the groups gnomAD compares: Non-Finnish European, 0.007%; no homozygotes.

Submission:

Labcorp Genetics (formerly Invitae), Labcorp
Classification: Uncertain significance for UDPglucose-4-epimerase deficiency. Last evaluated: 2021-09-01. Review status: criteria provided, single submitter. Criteria: Invitae Variant Classification Sherloc (09022015). Collection method: clinical testing. Allele origin: germline.
Comment: This sequence change replaces threonine with methionine at codon 271 of the GALE protein (p.Thr271Met). The threonine residue is highly conserved and there is a moderate physicochemical difference between threonine and methionine. This variant is present in population databases (rs756331486, ExAC 0.01%). This variant has not been reported in the literature in individuals affected with GALE-related conditions. Algorithms developed to predict the effect of missense changes on protein structure and function are either unavailable or do not agree on the potential impact of this missense change (SIFT: "Deleterious"; PolyPhen-2: "Probably Damaging"; Align-GVGD: "Class C15"). In summary, the available evidence is currently insufficient to determine the role of this variant in disease. Therefore, it has been classified as a Variant of Uncertain Significance.